The following is an entry in ClinVar:

NM_005051.3(QARS1):c.1872G>T (p.Glu624Asp)

Gene: QARS1 (glutaminyl-tRNA synthetase 1; minus strand). Cytogenetic location: 3p21.31.
Variant type: single nucleotide variant.
Coding change: c.1872G>T on transcript NM_005051.3 (MANE Select); coding-DNA position 1872, G replaced by T.
Protein change: p.Glu624Asp; replaces glutamic acid 624 with aspartic acid.
Molecular consequence: missense variant. On other transcripts: non-coding transcript variant (1).
Genome position (GRCh38, 1-based): chr3:49,098,684, C>A on the plus strand (G>T on the coding strand, the complement: QARS1 is on the minus strand). VCF-style: chr3-49098684-C-A. GRCh37 (hg19) VCF-style: chr3-49136117-C-A.
Other names: c.1839G>T, p.Glu613Asp (NM_001272073.2); short protein forms E613D, E624D.
Identifiers: ClinVar variation 1496824 (VCV001496824.6), dbSNP rs537960607, ClinGen allele CA352700494.
Genomic context (GRCh38, chr3:49,098,684, plus strand): 5'-GACGTAGCCTGTATGCCTCAGGCCCACAGGCTGGCCCCAAGCCAGGCGCTTAAATCCTGG[C>A]TCTGGCTCCTAGAGATAGGAAGTGGGGTAGACACATGAGGCTGCAAGGGTCAAACAAGTG-3'
Protein context (NP_005042.1, residues 614-634): IERTDFKEEP[Glu624Asp]PGFKRLAWGQ

ClinVar aggregate classification (germline): Uncertain significance (1 of 4 stars; one submission).

Conditions:
Diffuse cerebral and cerebellar atrophy - intractable seizures - progressive microcephaly syndrome. Also called: Microcephaly, progressive, with seizures and cerebral and cerebellar atrophy. Identifiers: Orphanet 404437, MedGen C4014239, MONDO:0014335, OMIM 615760.

gnomAD v4.1: 1 of 1,597,168 alleles (0.000063%); highest among the groups gnomAD compares: Admixed American, 0.0018%; no homozygotes.

Submission:

Labcorp Genetics (formerly Invitae), Labcorp
Classification: Uncertain significance for Diffuse cerebral and cerebellar atrophy - intractable seizures - progressive microcephaly syndrome. Last evaluated: 2022-02-08. Review status: criteria provided, single submitter. Criteria: Invitae Variant Classification Sherloc (09022015). Collection method: clinical testing. Allele origin: germline.
Comment: This sequence change replaces glutamic acid, which is acidic and polar, with aspartic acid, which is acidic and polar, at codon 624 of the QARS protein (p.Glu624Asp). In summary, the available evidence is currently insufficient to determine the role of this variant in disease. Therefore, it has been classified as a Variant of Uncertain Significance. Algorithms developed to predict the effect of missense changes on protein structure and function (SIFT, PolyPhen-2, Align-GVGD) all suggest that this variant is likely to be tolerated. This variant has not been reported in the literature in individuals affected with QARS-related conditions. This variant is not present in population databases (gnomAD no frequency).